The following is an entry in ClinVar:

NM_001430.5(EPAS1):c.2473C>T (p.Arg825Trp)

Gene: EPAS1 (endothelial PAS domain protein 1; plus strand). Cytogenetic location: 2p21.
Variant type: single nucleotide variant.
Coding change: c.2473C>T on transcript NM_001430.5 (MANE Select); coding-DNA position 2473, C replaced by T.
Protein change: p.Arg825Trp; replaces arginine 825 with tryptophan.
Molecular consequence: missense variant.
Genome position (GRCh38, 1-based): chr2:46,384,520, C>T. VCF-style: chr2-46384520-C-T. GRCh37 (hg19) VCF-style: chr2-46611659-C-T.
Other names: short protein forms R825W.
Identifiers: ClinVar variation 896208 (VCV000896208.6), dbSNP rs753610303, ClinGen allele CA1645378.

ClinVar aggregate classification (germline): Benign/Likely benign. Review status: criteria provided, multiple submitters, no conflicts (2 of 4 stars). 2 submissions from 2 submitters: Benign (1); Likely benign (1). Last evaluated 2022-11-04.

Conditions:
Inborn genetic diseases. Identifiers: MedGen C0950123, MeSH D030342.
Erythrocytosis, familial, 4 (ECYT4). Identifiers: Orphanet 247511, MedGen C2673187, MONDO:0012729, OMIM 611783.

Allele frequency attached by ClinVar (database versions not stated): gnomAD exomes 0.00008; gnomAD 0.00004 and 0.00003; ExAC 0.00005; TOPMed 0.00003.
gnomAD v4.1: 45 of 1,614,086 alleles (0.0028%); highest among the groups gnomAD compares: East Asian, 0.042%; no homozygotes.

Submissions (2):

Ambry Genetics
Classification: Likely benign for Inborn genetic diseases. Last evaluated: 2022-11-04. Review status: criteria provided, single submitter. Criteria: Ambry Variant Classification Scheme 2023. Collection method: clinical testing. Allele origin: germline.

Illumina Laboratory Services, Illumina
Classification: Benign for Erythrocytosis, familial, 4. Last evaluated: 2018-01-13. Review status: criteria provided, single submitter. Criteria: ICSL Variant Classification Criteria 13 December 2019. Collection method: clinical testing. Allele origin: germline.
Comment: This variant was observed in the ICSL laboratory as part of a predisposition screen in an ostensibly healthy population. It had not been previously curated by ICSL or reported in the Human Gene Mutation Database (HGMD: prior to June 1st, 2018), and was therefore a candidate for classification through an automated scoring system. Utilizing variant allele frequency, disease prevalence and penetrance estimates, and inheritance mode, an automated score was calculated to assess if this variant is too frequent to cause the disease. Based on the score and internal cut-off values, a variant classified as benign is not then subjected to further curation. The score for this variant resulted in a classification of benign for this disease.